The following is an entry in ClinVar:

ClinVar aggregate classification (germline): Uncertain significance. Review status: criteria provided, multiple submitters, no conflicts (2 of 4 stars). 3 submissions from 3 submitters: Uncertain significance (3). Last evaluated 2023-06-16.

Conditions:
Inborn genetic diseases. Identifiers: MedGen C0950123, MeSH D030342.
Bardet-Biedl syndrome (BBS). Identifiers: Orphanet 110, MedGen C0752166, MONDO:0015229.
Bardet-Biedl syndrome 9 (BBS9). Identifiers: Orphanet 110, MedGen C1859567, MONDO:0014437, OMIM 615986.

Allele frequency attached by ClinVar (database versions not stated): ExAC 0.00001; gnomAD exomes 0.00002.
gnomAD v4.1: 31 of 1,613,830 alleles (0.0019%); highest among the groups gnomAD compares: Non-Finnish European, 0.0025%; no homozygotes.

Submissions (3):

Ambry Genetics
Classification: Uncertain significance for Inborn genetic diseases. Last evaluated: 2023-06-16. Review status: criteria provided, single submitter. Criteria: Ambry Variant Classification Scheme 2023. Collection method: clinical testing. Allele origin: germline.

Fulgent Genetics
Classification: Uncertain significance for Bardet-Biedl syndrome 9. Last evaluated: 2022-03-16. Review status: criteria provided, single submitter. Criteria: ACMG Guidelines, 2015. Collection method: clinical testing. Allele origin: unknown.

Labcorp Genetics (formerly Invitae), Labcorp
Classification: Uncertain significance for Bardet-Biedl syndrome. Last evaluated: 2021-08-20. Review status: criteria provided, single submitter. Criteria: Invitae Variant Classification Sherloc (09022015). Collection method: clinical testing. Allele origin: germline.
Comment: This sequence change replaces glycine with cysteine at codon 177 of the BBS9 protein (p.Gly177Cys). The glycine residue is highly conserved and there is a large physicochemical difference between glycine and cysteine. This variant is present in population databases (rs750278720, ExAC 0.001%). This variant has not been reported in the literature in individuals affected with BBS9-related conditions. Algorithms developed to predict the effect of missense changes on protein structure and function (SIFT, PolyPhen-2, Align-GVGD) all suggest that this variant is likely to be disruptive. In summary, the available evidence is currently insufficient to determine the role of this variant in disease. Therefore, it has been classified as a Variant of Uncertain Significance.

NM_198428.3(BBS9):c.529G>T (p.Gly177Cys)

Gene: BBS9 (Bardet-Biedl syndrome 9; plus strand). Cytogenetic location: 7p14.3.
Variant type: single nucleotide variant.
Coding change: c.529G>T on transcript NM_198428.3 (MANE Select); coding-DNA position 529, G replaced by T.
Protein change: p.Gly177Cys; replaces glycine 177 with cysteine.
Molecular consequence: missense variant. On other transcripts: non-coding transcript variant (3).
Genome position (GRCh38, 1-based): chr7:33,257,322, G>T. VCF-style: chr7-33257322-G-T. GRCh37 (hg19) VCF-style: chr7-33296934-G-T.
Other names: c.529G>T, p.Gly177Cys (NM_001033604.2, NM_001033605.2, NM_001348036.1 and 5 more transcripts); c.163G>T, p.Gly55Cys (NM_001348037.3, NM_001348044.3, NM_001348045.3 and 1 more transcripts); c.256G>T, p.Gly86Cys (NM_001348038.3, NM_001348039.3); c.394G>T, p.Gly132Cys (NM_001348042.3); c.529G>T (NM_198428.2); short protein forms G132C, G55C, G177C, G86C.
Identifiers: ClinVar variation 1392502 (VCV001392502.7), dbSNP rs750278720, ClinGen allele CA4214030.